The following is an entry in ClinVar:

ClinVar aggregate classification (germline): Conflicting classifications of pathogenicity. Review status: criteria provided, conflicting classifications (1 of 4 stars). 2 submissions from 2 submitters: Uncertain significance (1); Likely benign (1). Last evaluated 2025-10-19.

Conditions:
Primary dilated cardiomyopathy (DCM). Also called: Dilated Cardiomyopathy. Identifiers: Orphanet 217604, MedGen C0007193, MeSH D002311, MONDO:0005021, HP:0001644. Inheritance: Various modes of inheritance.
Cardiovascular phenotype. Identifiers: MedGen CN230736.

Allele frequency attached by ClinVar (database versions not stated): ExAC 0.00002; gnomAD 0.00005; TOPMed 0.00002.
gnomAD v4.1: 15 of 1,613,422 alleles (0.00093%); highest among the groups gnomAD compares: African/African-American, 0.013%; no homozygotes.

Submissions (2):

Labcorp Genetics (formerly Invitae), Labcorp
Classification: Uncertain significance for Primary dilated cardiomyopathy. Last evaluated: 2025-10-19. Review status: criteria provided, single submitter. Criteria: Invitae Variant Classification Sherloc (09022015). Collection method: clinical testing. Allele origin: germline.
Comment: This sequence change affects codon 46 of the TXNRD2 mRNA. It is a 'silent' change, meaning that it does not change the encoded amino acid sequence of the TXNRD2 protein. This variant is present in population databases (rs778309862, gnomAD 0.01%). This variant has not been reported in the literature in individuals affected with TXNRD2-related conditions. ClinVar contains an entry for this variant (Variation ID: 1771504). Algorithms developed to predict the effect of sequence changes on RNA splicing suggest that this variant may disrupt the consensus splice site. In summary, the available evidence is currently insufficient to determine the role of this variant in disease. Therefore, it has been classified as a Variant of Uncertain Significance.

Ambry Genetics
Classification: Likely benign for Cardiovascular phenotype. Last evaluated: 2019-03-01. Review status: criteria provided, single submitter. Criteria: Ambry Variant Classification Scheme 2023. Collection method: clinical testing. Allele origin: germline.

NM_006440.5(TXNRD2):c.138C>T (p.Gly46=)

Gene: TXNRD2 (thioredoxin reductase 2; minus strand). Cytogenetic location: 22q11.21.
Variant type: single nucleotide variant.
Coding change: c.138C>T on transcript NM_006440.5 (MANE Select); coding-DNA position 138, C replaced by T.
Protein change: p.Gly46=; no amino-acid change (glycine 46 retained).
Molecular consequence: synonymous variant. On other transcripts: 5 prime UTR variant (1), non-coding transcript variant (1).
Genome position (GRCh38, 1-based): chr22:19,931,064, G>A on the plus strand (C>T on the coding strand, the complement: TXNRD2 is on the minus strand). VCF-style: chr22-19931064-G-A. GRCh37 (hg19) VCF-style: chr22-19918587-G-A.
Other names: c.138C>T, p.Gly46= (NM_001282512.3); c.135C>T, p.Gly45= (NM_001352300.2); c.48C>T, p.Gly16= (NM_001352301.2); c.-151C>T (NM_001352302.2); c.42C>T, p.Gly14= (NM_001352303.2).
Identifiers: ClinVar variation 1771504 (VCV001771504.4), dbSNP rs778309862, ClinGen allele CA10104337.